The following is an entry in ClinVar:

NM_052947.4(ALPK2):c.6361T>C (p.Cys2121Arg)

Gene: ALPK2 (alpha kinase 2; minus strand). Cytogenetic location: 18q21.31.
Variant type: single nucleotide variant.
Coding change: c.6361T>C on transcript NM_052947.4 (MANE Select); coding-DNA position 6361, T replaced by C.
Protein change: p.Cys2121Arg; replaces cysteine 2121 with arginine.
Molecular consequence: missense variant.
Genome position (GRCh38, 1-based): chr18:58,481,975, A>G on the plus strand (T>C on the coding strand, the complement: ALPK2 is on the minus strand). VCF-style: chr18-58481975-A-G. GRCh37 (hg19) VCF-style: chr18-56149207-A-G.
Other names: short protein forms C2121R.
Identifiers: ClinVar variation 3290349 (VCV003290349.1).

ClinVar aggregate classification (germline): Uncertain significance (1 of 4 stars; one submission).

Submission:

Ambry Genetics
Classification: Uncertain significance. Last evaluated: 2024-05-07. Review status: criteria provided, single submitter. Criteria: Ambry Variant Classification Scheme 2023. Collection method: clinical testing. Allele origin: germline.
Comment: The p.C2121R variant (also known as c.6361T>C), located in coding exon 12 of the ALPK2 gene, results from a T to C substitution at nucleotide position 6361. The cysteine at codon 2121 is replaced by arginine, an amino acid with highly dissimilar properties. This amino acid position is conserved. In addition, the in silico prediction for this alteration is inconclusive. Based on the available evidence, the clinical significance of this variant remains unclear.